The following is an entry in ClinVar:

NM_000458.4(HNF1B):c.364G>T (p.Ala122Ser)

Gene: HNF1B (HNF1 homeobox B; minus strand). Cytogenetic location: 17q12.
Variant type: single nucleotide variant.
Coding change: c.364G>T on transcript NM_000458.4 (MANE Select); coding-DNA position 364, G replaced by T.
Protein change: p.Ala122Ser; replaces alanine 122 with serine.
Molecular consequence: missense variant.
Genome position (GRCh38, 1-based): chr17:37,739,620, C>A on the plus strand (G>T on the coding strand, the complement: HNF1B is on the minus strand). VCF-style: chr17-37739620-C-A. GRCh37 (hg19) VCF-style: chr17-36099611-C-A.
Other names: p.A122S; c.364G>T, p.Ala122Ser (NM_001165923.4, NM_001304286.2, NM_001411100.1); short protein forms A122S.
Identifiers: ClinVar variation 4071466 (VCV004071466.1).

ClinVar aggregate classification (germline): Pathogenic (1 of 4 stars; one submission).

Conditions:
Renal cysts and diabetes syndrome (RCAD). Also called: Familial hypoplastic, glomerulocystic kidney; MATURITY-ONSET DIABETES OF THE YOUNG, TYPE 5. Identifiers: Orphanet 93111, MedGen C0431693, MONDO:0007669, OMIM 137920.

Submission:

Department of Pediatric Nephrology, Wuhan Children's Hospital
Classification: Pathogenic for Renal cysts and diabetes syndrome. Last evaluated: 2025-07-23. Review status: criteria provided, single submitter. Criteria: ACMG Guidelines, 2015. Collection method: clinical testing. Allele origin: paternal. Affected: yes.